The following is an entry in ClinVar:

ClinVar aggregate classification (germline): Uncertain significance. Review status: criteria provided, multiple submitters, no conflicts (2 of 4 stars). 2 submissions from 2 submitters: Uncertain significance (2). Last evaluated 2025-04-03.

Allele frequency attached by ClinVar (database versions not stated): TOPMed 0.00002; ExAC 0.00003; gnomAD 0.00004; gnomAD exomes 0.00005; ESP Exome Variant Server 0.00015.
gnomAD v4.1: 81 of 1,561,874 alleles (0.0052%); highest among the groups gnomAD compares: Non-Finnish European, 0.0047%; no homozygotes.

Submissions (2):

Ambry Genetics
Classification: Uncertain significance. Last evaluated: 2025-04-03. Review status: criteria provided, single submitter. Criteria: Ambry Variant Classification Scheme 2023. Collection method: clinical testing. Allele origin: germline.

Labcorp Genetics (formerly Invitae), Labcorp
Classification: Uncertain significance. Last evaluated: 2023-09-19. Review status: criteria provided, single submitter. Criteria: Invitae Variant Classification Sherloc (09022015). Collection method: clinical testing. Allele origin: germline.
Comment: An algorithm developed to predict the effect of missense changes on protein structure and function (PolyPhen-2) suggests that this variant is likely to be tolerated. This sequence change replaces glutamic acid, which is acidic and polar, with glutamine, which is neutral and polar, at codon 184 of the PSMA3 protein (p.Glu184Gln). This variant is present in population databases (rs377728633, gnomAD 0.05%). This variant has not been reported in the literature in individuals affected with PSMA3-related conditions. In summary, the available evidence is currently insufficient to determine the role of this variant in disease. Therefore, it has been classified as a Variant of Uncertain Significance.

NM_002788.4(PSMA3):c.550G>C (p.Glu184Gln)

Genes: PSMA3 (proteasome 20S subunit alpha 3; plus strand), PSMA3-AS1 (PSMA3 antisense RNA 1; minus strand). Cytogenetic location: 14q23.1.
Variant type: single nucleotide variant.
Coding change: c.550G>C on transcript NM_002788.4 (MANE Select); coding-DNA position 550, G replaced by C.
Protein change: p.Glu184Gln; replaces glutamic acid 184 with glutamine.
Molecular consequence: missense variant. On other transcripts: non-coding transcript variant (1).
Genome position (GRCh38, 1-based): chr14:58,267,480, G>C. VCF-style: chr14-58267480-G-C. GRCh37 (hg19) VCF-style: chr14-58734198-G-C.
Other names: c.550G>C (NM_002788.3); c.529G>C, p.Glu177Gln (NM_152132.3); short protein forms E184Q, E177Q.
Identifiers: ClinVar variation 2957092 (VCV002957092.4), dbSNP rs377728633, ClinGen allele CA7203836.
Genomic context (GRCh38, chr14:58,267,480, plus strand): 5'-TACACAAGTGGAAAATGTTCTTCTGATGAACAGTATACATTTTATTTTCTATAGATGAAA[G>C]AAATGACCTGCCGTGATATCGTTAAAGAAGTTGCAAAAATGTAAGTTGAAATTTTTCTTA-3'
Protein context (NP_002779.1, residues 174-194): KTEIEKLQMK[Glu184Gln]MTCRDIVKEV